The following is an entry in ClinVar:

NM_015278.5(SASH1):c.2595A>T (p.Val865=)

Gene: SASH1 (SAM and SH3 domain containing 1; plus strand). Cytogenetic location: 6q25.1.
Variant type: single nucleotide variant.
Coding change: c.2595A>T on transcript NM_015278.5 (MANE Select); coding-DNA position 2595, A replaced by T.
Protein change: p.Val865=; no amino-acid change (valine 865 retained).
Molecular consequence: synonymous variant.
Genome position (GRCh38, 1-based): chr6:148,544,065, A>T. VCF-style: chr6-148544065-A-T. GRCh37 (hg19) VCF-style: chr6-148865201-A-T.
Other names: c.2460A>T, p.Val820= (NM_001346505.2); c.2223A>T, p.Val741= (NM_001346506.2); c.1878A>T, p.Val626= (NM_001346507.2); c.2367A>T, p.Val789= (NM_001346508.2); c.2244A>T, p.Val748= (NM_001346509.2); c.2595A>T (NM_015278.4).
Identifiers: ClinVar variation 718535 (VCV000718535.7), dbSNP rs145956049, ClinGen allele CA4040630.

ClinVar aggregate classification (germline): Likely benign. Review status: criteria provided, multiple submitters, no conflicts (2 of 4 stars). 3 submissions from 3 submitters: Likely benign (2). 1 of the submissions does not count toward it. Last evaluated 2024-11-25.

Conditions:
SASH1-related disorder. Also called: SASH1-related condition.

Allele frequency attached by ClinVar (database versions not stated): 1000 Genomes Project 30x 0.00031; 1000 Genomes Project 0.00040; gnomAD exomes 0.00070 and 0.00135; gnomAD 0.00071 and 0.00076; ExAC 0.00073; TOPMed 0.00087; ESP Exome Variant Server 0.00115.
gnomAD v4.1: 2,068 of 1,614,008 alleles (0.13%); highest among the groups gnomAD compares: Middle Eastern, 0.16%; 4 homozygotes.

Submissions (3):

Blueprint Genetics
Classification: Likely benign. Last evaluated: 2024-11-25. Review status: criteria provided, single submitter. Criteria: ACMG Guidelines, 2015. Collection method: clinical testing. Allele origin: germline.

Labcorp Genetics (formerly Invitae), Labcorp
Classification: Likely benign. Last evaluated: 2019-12-31. Review status: criteria provided, single submitter. Criteria: Invitae Variant Classification Sherloc (09022015). Collection method: clinical testing. Allele origin: germline.

PreventionGenetics, part of Exact Sciences
Classification: Likely benign for SASH1-related condition. Last evaluated: 2019-03-01. Review status: no assertion criteria provided. Collection method: clinical testing. Allele origin: germline. Not counted in ClinVar's aggregate classification.
Comment: This variant is classified as likely benign based on ACMG/AMP sequence variant interpretation guidelines (Richards et al. 2015 PMID: 25741868, with internal and published modifications).